The following is an entry in ClinVar:

ClinVar aggregate classification (germline): Uncertain significance (1 of 4 stars; one submission).

Submission:

Labcorp Genetics (formerly Invitae), Labcorp
Classification: Uncertain significance. Last evaluated: 2026-01-19. Review status: criteria provided, single submitter. Criteria: Invitae Variant Classification Sherloc (09022015). Collection method: clinical testing. Allele origin: germline.
Comment: This sequence change replaces valine, which is neutral and non-polar, with aspartic acid, which is acidic and polar, at codon 293 of the FH protein (p.Val293Asp). This variant is not present in population databases (gnomAD no frequency). This variant has not been reported in the literature in individuals affected with FH-related conditions. Invitae Evidence Modeling of protein sequence and biophysical properties (such as structural, functional, and spatial information, amino acid conservation, physicochemical variation, residue mobility, and thermodynamic stability) indicates that this missense variant is expected to disrupt FH protein function with a positive predictive value of 95%. In summary, the available evidence is currently insufficient to determine the role of this variant in disease. Therefore, it has been classified as a Variant of Uncertain Significance.

NM_000143.4(FH):c.878T>A (p.Val293Asp)

Gene: FH (fumarate hydratase; minus strand). Cytogenetic location: 1q43.
Variant type: single nucleotide variant.
Coding change: c.878T>A on transcript NM_000143.4 (MANE Select); coding-DNA position 878, T replaced by A.
Protein change: p.Val293Asp; replaces valine 293 with aspartic acid.
Molecular consequence: missense variant.
Genome position (GRCh38, 1-based): chr1:241,506,029, A>T on the plus strand (T>A on the coding strand, the complement: FH is on the minus strand). VCF-style: chr1-241506029-A-T. GRCh37 (hg19) VCF-style: chr1-241669329-A-T.
Other names: short protein forms V293D.
Identifiers: ClinVar variation 4745921 (VCV004745921.1), dbSNP rs863223970.